The following is an entry in ClinVar:

NM_000327.4(ROM1):c.1012C>G (p.Pro338Ala)

Gene: ROM1 (retinal outer segment membrane protein 1; plus strand). Cytogenetic location: 11q12.3.
Variant type: single nucleotide variant.
Coding change: c.1012C>G on transcript NM_000327.4 (MANE Select); coding-DNA position 1012, C replaced by G.
Protein change: p.Pro338Ala; replaces proline 338 with alanine.
Molecular consequence: missense variant.
Genome position (GRCh38, 1-based): chr11:62,614,795, C>G. VCF-style: chr11-62614795-C-G. GRCh37 (hg19) VCF-style: chr11-62382267-C-G.
Other names: short protein forms P338A.
Identifiers: ClinVar variation 3628347 (VCV003628347.2).
Genomic context (GRCh38, chr11:62,614,795, plus strand): 5'-ATGCTGAAAACAGCATGGCTACAGGGAGGGGTTGCCTGCAGGCCAGCACCTGAGGAGGCC[C>G]CACCAGGAGAAGCACCTCCCAAGGAGGATCTATCTGAGGCCTAGAGGCCTGGAGCTTGGG-3'
Protein context (NP_000318.2, residues 328-348): VACRPAPEEA[Pro338Ala]PGEAPPKEDL

ClinVar aggregate classification (germline): Uncertain significance (1 of 4 stars; one submission).

Submission:

Labcorp Genetics (formerly Invitae), Labcorp
Classification: Uncertain significance. Last evaluated: 2024-07-04. Review status: criteria provided, single submitter. Criteria: Invitae Variant Classification Sherloc (09022015). Collection method: clinical testing. Allele origin: germline.
Comment: This sequence change replaces proline, which is neutral and non-polar, with alanine, which is neutral and non-polar, at codon 338 of the ROM1 protein (p.Pro338Ala). This variant is present in population databases (no rsID available, gnomAD 0.0009%). This variant has not been reported in the literature in individuals affected with ROM1-related conditions. Advanced modeling of protein sequence and biophysical properties (such as structural, functional, and spatial information, amino acid conservation, physicochemical variation, residue mobility, and thermodynamic stability) performed at Invitae indicates that this missense variant is not expected to disrupt ROM1 protein function with a negative predictive value of 80%. In summary, the available evidence is currently insufficient to determine the role of this variant in disease. Therefore, it has been classified as a Variant of Uncertain Significance.